The following is an entry in ClinVar:

ClinVar aggregate classification (germline): Uncertain significance. Review status: criteria provided, multiple submitters, no conflicts (2 of 4 stars). 2 submissions from 2 submitters: Uncertain significance (2). Last evaluated 2023-04-19.

Conditions:
Inborn genetic diseases. Identifiers: MedGen C0950123, MeSH D030342.
Charcot-Marie-Tooth disease type 4. Also called: Charcot-Marie-Tooth, Type 4; Charcot-Marie-Tooth disease, type IV. Identifiers: Orphanet 64749, MedGen C4082197, MONDO:0018995.

Allele frequency attached by ClinVar (database versions not stated): gnomAD exomes below 0.00001; TOPMed below 0.00001.
gnomAD v4.1: 5 of 1,610,226 alleles (0.00031%); highest among the groups gnomAD compares: Non-Finnish European, 0.00034%; no homozygotes.

Submissions (2):

Ambry Genetics
Classification: Uncertain significance for Inborn genetic diseases. Last evaluated: 2023-04-19. Review status: criteria provided, single submitter. Criteria: Ambry Variant Classification Scheme 2023. Collection method: clinical testing. Allele origin: germline.

Labcorp Genetics (formerly Invitae), Labcorp
Classification: Uncertain significance for Charcot-Marie-Tooth disease type 4. Last evaluated: 2020-10-05. Review status: criteria provided, single submitter. Criteria: Invitae Variant Classification Sherloc (09022015). Collection method: clinical testing. Allele origin: germline.
Comment: In summary, the available evidence is currently insufficient to determine the role of this variant in disease. Therefore, it has been classified as a Variant of Uncertain Significance. Algorithms developed to predict the effect of missense changes on protein structure and function (SIFT, PolyPhen-2, Align-GVGD) all suggest that this variant is likely to be tolerated, but these predictions have not been confirmed by published functional studies and their clinical significance is uncertain. This variant has not been reported in the literature in individuals with SBF2-related conditions. This variant is not present in population databases (ExAC no frequency). This sequence change replaces threonine with isoleucine at codon 1220 of the SBF2 protein (p.Thr1220Ile). The threonine residue is weakly conserved and there is a moderate physicochemical difference between threonine and isoleucine.

NM_030962.4(SBF2):c.3659C>T (p.Thr1220Ile)

Gene: SBF2 (SET binding factor 2; minus strand). Cytogenetic location: 11p15.4.
Variant type: single nucleotide variant.
Coding change: c.3659C>T on transcript NM_030962.4 (MANE Select); coding-DNA position 3659, C replaced by T.
Protein change: p.Thr1220Ile; replaces threonine 1220 with isoleucine.
Molecular consequence: missense variant.
Genome position (GRCh38, 1-based): chr11:9,829,490, G>A on the plus strand (C>T on the coding strand, the complement: SBF2 is on the minus strand). VCF-style: chr11-9829490-G-A. GRCh37 (hg19) VCF-style: chr11-9851037-G-A.
Other names: c.3659C>T, p.Thr1220Ile (NM_001386339.1); c.3530C>T, p.Thr1177Ile (NM_001386342.1); c.3659C>T (NM_030962.3); short protein forms T1177I, T1220I.
Identifiers: ClinVar variation 1051719 (VCV001051719.11), dbSNP rs1439541685, ClinGen allele CA379645427.